The following is an entry in ClinVar:

NM_001174147.2(LMX1B):c.*4373A>G

Gene: LMX1B (LIM homeobox transcription factor 1 beta; plus strand). Cytogenetic location: 9q33.3.
Variant type: single nucleotide variant.
Coding change: c.*4373A>G on transcript NM_001174147.2 (MANE Select); 4373 bases downstream of the stop codon, A replaced by G.
Molecular consequence: 3 prime UTR variant.
Genome position (GRCh38, 1-based): chr9:126,700,824, A>G. VCF-style: chr9-126700824-A-G. GRCh37 (hg19) VCF-style: chr9-129463103-A-G.
Other names: c.*4373A>G (NM_001174146.2, NM_002316.4).
Identifiers: ClinVar variation 364998 (VCV000364998.5), dbSNP rs78565800, ClinGen allele CA10626425.

ClinVar aggregate classification (germline): Benign (1 of 4 stars; one submission).

Conditions:
Nail-patella syndrome (NPS). Also called: FONG DISEASE; ONYCHOOSTEODYSPLASIA; TURNER-KIESER SYNDROME. Identifiers: Orphanet 2614, MedGen C0027341, MONDO:0008061, OMIM 161200.

Allele frequency attached by ClinVar (database versions not stated): gnomAD 0.00748 and 0.00792; TOPMed 0.00851; 1000 Genomes Project 0.00859; 1000 Genomes Project 30x 0.00968.

Submission:

Illumina Laboratory Services, Illumina
Classification: Benign for Nail-patella syndrome. Last evaluated: 2018-01-12. Review status: criteria provided, single submitter. Criteria: ICSL Variant Classification Criteria 13 December 2019. Collection method: clinical testing. Allele origin: germline.
Comment: This variant was observed in the ICSL laboratory as part of a predisposition screen in an ostensibly healthy population. It had not been previously curated by ICSL or reported in the Human Gene Mutation Database (HGMD: prior to June 1st, 2018), and was therefore a candidate for classification through an automated scoring system. Utilizing variant allele frequency, disease prevalence and penetrance estimates, and inheritance mode, an automated score was calculated to assess if this variant is too frequent to cause the disease. Based on the score and internal cut-off values, a variant classified as benign is not then subjected to further curation. The score for this variant resulted in a classification of benign for this disease.